The following is an entry in ClinVar:

ClinVar aggregate classification (germline): Uncertain significance (1 of 4 stars; one submission).

Allele frequency attached by ClinVar (database versions not stated): gnomAD exomes below 0.00001.
gnomAD v4.1: 1 of 1,614,036 alleles (0.000062%); highest among the groups gnomAD compares: Non-Finnish European, 0.000085%; no homozygotes.

Submission:

Labcorp Genetics (formerly Invitae), Labcorp
Classification: Uncertain significance. Last evaluated: 2023-04-04. Review status: criteria provided, single submitter. Criteria: Invitae Variant Classification Sherloc (09022015). Collection method: clinical testing. Allele origin: germline.
Comment: This sequence change replaces isoleucine, which is neutral and non-polar, with methionine, which is neutral and non-polar, at codon 1568 of the POLE protein (p.Ile1568Met). This variant is present in population databases (no rsID available, gnomAD 0.0009%). This variant has not been reported in the literature in individuals affected with POLE-related conditions. Advanced modeling of protein sequence and biophysical properties (such as structural, functional, and spatial information, amino acid conservation, physicochemical variation, residue mobility, and thermodynamic stability) performed at Invitae indicates that this missense variant is not expected to disrupt POLE protein function. In summary, the available evidence is currently insufficient to determine the role of this variant in disease. Therefore, it has been classified as a Variant of Uncertain Significance.

NM_006231.4(POLE):c.4704C>G (p.Ile1568Met)

Gene: POLE (DNA polymerase epsilon, catalytic subunit; minus strand). Cytogenetic location: 12q24.33.
Variant type: single nucleotide variant.
Coding change: c.4704C>G on transcript NM_006231.4 (MANE Select); coding-DNA position 4704, C replaced by G.
Protein change: p.Ile1568Met; replaces isoleucine 1568 with methionine.
Molecular consequence: missense variant.
Genome position (GRCh38, 1-based): chr12:132,642,844, G>C on the plus strand (C>G on the coding strand, the complement: POLE is on the minus strand). VCF-style: chr12-132642844-G-C. GRCh37 (hg19) VCF-style: chr12-133219430-G-C.
Other names: short protein forms I1568M.
Identifiers: ClinVar variation 2851936 (VCV002851936.3), dbSNP rs1159328777, ClinGen allele CA387378682.